The following is an entry in ClinVar:

NM_004006.3(DMD):c.10381C>A (p.Pro3461Thr)

Gene: DMD (dystrophin; minus strand). Cytogenetic location: Xp21.2.
Variant type: single nucleotide variant.
Coding change: c.10381C>A on transcript NM_004006.3 (MANE Select); coding-DNA position 10381, C replaced by A.
Protein change: p.Pro3461Thr; replaces proline 3461 with threonine.
Molecular consequence: missense variant. On other transcripts: intron variant (2).
Genome position (GRCh38, 1-based): chrX:31,172,361, G>T on the plus strand (C>A on the coding strand, the complement: DMD is on the minus strand). VCF-style: chrX-31172361-G-T. GRCh37 (hg19) VCF-style: chrX-31190478-G-T.
Other names: c.10357C>A, p.Pro3453Thr (NM_000109.4); c.10369C>A, p.Pro3457Thr (NM_004009.3); c.10012C>A, p.Pro3338Thr (NM_004010.3); c.6358C>A, p.Pro2120Thr (NM_004011.4); c.6349C>A, p.Pro2117Thr (NM_004012.4); c.3001C>A, p.Pro1001Thr (NM_004013.3, NM_004021.3); c.2194C>A, p.Pro732Thr (NM_004014.3); c.1177C>A, p.Pro393Thr (NM_004015.3, NM_004016.3); and 3 more; short protein forms P1001T, P732T, P3453T, P3457T, P3461T, P380T, P2117T, P2120T.
Identifiers: ClinVar variation 2814081 (VCV002814081.3), dbSNP rs2519814059, ClinGen allele CA412652132.

ClinVar aggregate classification (germline): Uncertain significance (1 of 4 stars; one submission).

Conditions:
Duchenne muscular dystrophy (DMD). Also called: MUSCULAR DYSTROPHY, PSEUDOHYPERTROPHIC PROGRESSIVE, DUCHENNE TYPE; Duchenne Muscular Dystrophy (DMD). Identifiers: Orphanet 98896, MedGen C0013264, MONDO:0010679, OMIM 310200.

Submission:

Labcorp Genetics (formerly Invitae), Labcorp
Classification: Uncertain significance for Duchenne muscular dystrophy. Last evaluated: 2023-09-05. Review status: criteria provided, single submitter. Criteria: Invitae Variant Classification Sherloc (09022015). Collection method: clinical testing. Allele origin: germline.
Comment: This sequence change replaces proline, which is neutral and non-polar, with threonine, which is neutral and polar, at codon 3461 of the DMD protein (p.Pro3461Thr). This variant is not present in population databases (gnomAD no frequency). This variant has not been reported in the literature in individuals affected with DMD-related conditions. Advanced modeling of protein sequence and biophysical properties (such as structural, functional, and spatial information, amino acid conservation, physicochemical variation, residue mobility, and thermodynamic stability) performed at Invitae indicates that this missense variant is not expected to disrupt DMD protein function. In summary, the available evidence is currently insufficient to determine the role of this variant in disease. Therefore, it has been classified as a Variant of Uncertain Significance.